The following is an entry in ClinVar:

ClinVar aggregate classification (germline): Uncertain significance. Review status: criteria provided, multiple submitters, no conflicts (2 of 4 stars). 2 submissions from 2 submitters: Uncertain significance (2). Last evaluated 2025-01-30.

Conditions:
Benign neonatal seizures. Also called: Benign neonatal familial convulsions; Benign familial neonatal seizures; Benign familial neonatal epilepsy; Convulsions benign familial neonatal dominant form; Autosomal dominant form of benign neonatal seizures. Identifiers: Orphanet 1949, MedGen C0220669, MONDO:0016027.
Seizures, benign familial neonatal, 2. Also called: Benign Neonatal Epilepsy 2; CONVULSIONS, BENIGN FAMILIAL NEONATAL, 2; Seizures, benign neonatal, 2; KCNQ3-Related Benign Familial Neonatal Epilepsy; KCNQ3-Related Self-Limited Familial Neonatal Epilepsy (SLFNE). Identifiers: Orphanet 1949, MedGen C1852581, MONDO:0007366, OMIM 121201.

gnomAD v4.1: 4 of 1,614,004 alleles (0.00025%); highest among the groups gnomAD compares: African/African-American, 0.0053%; no homozygotes.

Submissions (2):

Labcorp Genetics (formerly Invitae), Labcorp
Classification: Uncertain significance for Benign neonatal seizures. Last evaluated: 2025-01-30. Review status: criteria provided, single submitter. Criteria: Invitae Variant Classification Sherloc (09022015). Collection method: clinical testing. Allele origin: germline.
Comment: This sequence change replaces aspartic acid, which is acidic and polar, with histidine, which is basic and polar, at codon 679 of the KCNQ3 protein (p.Asp679His). This variant is present in population databases (rs773672399, gnomAD 0.01%). This variant has not been reported in the literature in individuals affected with KCNQ3-related conditions. ClinVar contains an entry for this variant (Variation ID: 1401699). Invitae Evidence Modeling of protein sequence and biophysical properties (such as structural, functional, and spatial information, amino acid conservation, physicochemical variation, residue mobility, and thermodynamic stability) indicates that this missense variant is not expected to disrupt KCNQ3 protein function with a negative predictive value of 80%. In summary, the available evidence is currently insufficient to determine the role of this variant in disease. Therefore, it has been classified as a Variant of Uncertain Significance.

Pittsburgh Clinical Genomics Laboratory, University of Pittsburgh Medical Center
Classification: Uncertain significance for Seizures, benign familial neonatal, 2. Last evaluated: 2024-01-29. Review status: criteria provided, single submitter. Criteria: ACMG Guidelines, 2015. Collection method: clinical testing. Allele origin: germline. Inheritance: Autosomal dominant inheritance. Affected: yes.
Comment: This sequence variant is a single nucleotide substitution (G>C) at position 2035 of the coding sequence of the KCNQ3 gene that results in an aspartic acid to histidine amino acid change at residue 679 of the potassium voltage-gated channel subfamily Q member 3 protein. This is a previously reported variant (ClinVar 1401699) that has not been observed in the literature in individuals affected by KCNQ3-related disease, to our knowledge. This variant is present in 4 of 1614004 alleles (0.00025%) in the gnomAD population dataset. Multiple bioinformatic tools predict that this amino acid change would be neutral, and the Asp679 residue at this position is highly conserved across the vertebrate species examined. Studies examining the functional consequence of this variant have not been performed, to our knowledge. At this time, there is insufficient evidence to determine if this variant is pathogenic or benign. Therefore, we consider this a variant of uncertain significance. ACMG Criteria: BP4, PM2

NM_004519.4(KCNQ3):c.2035G>C (p.Asp679His)

Gene: KCNQ3 (potassium voltage-gated channel subfamily Q member 3; minus strand). Cytogenetic location: 8q24.22.
Variant type: single nucleotide variant.
Coding change: c.2035G>C on transcript NM_004519.4 (MANE Select); coding-DNA position 2035, G replaced by C.
Protein change: p.Asp679His; replaces aspartic acid 679 with histidine.
Molecular consequence: missense variant.
Genome position (GRCh38, 1-based): chr8:132,129,846, C>G on the plus strand (G>C on the coding strand, the complement: KCNQ3 is on the minus strand). VCF-style: chr8-132129846-C-G. GRCh37 (hg19) VCF-style: chr8-133142093-C-G.
Other names: c.1675G>C, p.Asp559His (NM_001204824.2); short protein forms D559H, D679H.
Identifiers: ClinVar variation 1401699 (VCV001401699.10), dbSNP rs773672399, ClinGen allele CA4880518.